The following is an entry in ClinVar:

ClinVar aggregate classification (germline): Uncertain significance (1 of 4 stars; one submission).

Conditions:
Cardiovascular phenotype. Identifiers: MedGen CN230736.

Allele frequency attached by ClinVar (database versions not stated): gnomAD exomes below 0.00001.
gnomAD v4.1: 2 of 1,614,042 alleles (0.00012%); highest among the groups gnomAD compares: Non-Finnish European, 0.00017%; no homozygotes.

Submission:

Ambry Genetics
Classification: Uncertain significance for Cardiovascular phenotype. Last evaluated: 2023-08-03. Review status: criteria provided, single submitter. Criteria: Ambry Variant Classification Scheme 2023. Collection method: clinical testing. Allele origin: germline.
Comment: The p.A3885S variant (also known as c.11653G>T), located in coding exon 26 of the APOB gene, results from a G to T substitution at nucleotide position 11653. The alanine at codon 3885 is replaced by serine, an amino acid with similar properties. This amino acid position is conserved. In addition, this alteration is predicted to be tolerated by in silico analysis. Since supporting evidence is limited at this time, the clinical significance of this alteration remains unclear.

NM_000384.3(APOB):c.11653G>T (p.Ala3885Ser)

Gene: APOB (apolipoprotein B; minus strand). Cytogenetic location: 2p24.1.
Variant type: single nucleotide variant.
Coding change: c.11653G>T on transcript NM_000384.3 (MANE Select); coding-DNA position 11653, G replaced by T.
Protein change: p.Ala3885Ser; replaces alanine 3885 with serine.
Molecular consequence: missense variant.
Genome position (GRCh38, 1-based): chr2:21,005,215, C>A on the plus strand (G>T on the coding strand, the complement: APOB is on the minus strand). VCF-style: chr2-21005215-C-A. GRCh37 (hg19) VCF-style: chr2-21228087-C-A.
Other names: short protein forms A3885S.
Identifiers: ClinVar variation 2586187 (VCV002586187.2), dbSNP rs2465356266, ClinGen allele CA345977851.